The following is an entry in ClinVar:

ClinVar aggregate classification (germline): Uncertain significance (1 of 4 stars; one submission).

gnomAD v4.1: 1 of 1,551,758 alleles (0.000064%); highest among the groups gnomAD compares: Admixed American, 0.002%; no homozygotes.

Submission:

Labcorp Genetics (formerly Invitae), Labcorp
Classification: Uncertain significance. Last evaluated: 2025-08-24. Review status: criteria provided, single submitter. Criteria: Invitae Variant Classification Sherloc (09022015). Collection method: clinical testing. Allele origin: germline.
Comment: This sequence change replaces threonine, which is neutral and polar, with isoleucine, which is neutral and non-polar, at codon 2628 of the WDR87 protein (p.Thr2628Ile). This variant is not present in population databases (gnomAD no frequency). This variant has not been reported in the literature in individuals affected with WDR87-related conditions. Experimental studies and prediction algorithms are not available or were not evaluated, and the functional significance of this variant is currently unknown. In summary, the available evidence is currently insufficient to determine the role of this variant in disease. Therefore, it has been classified as a Variant of Uncertain Significance.

NM_001291088.2(WDR87):c.8000C>T (p.Thr2667Ile)

Gene: WDR87 (WD repeat domain 87; minus strand). Cytogenetic location: 19q13.13.
Variant type: single nucleotide variant.
Coding change: c.8000C>T on transcript NM_001291088.2 (MANE Select); coding-DNA position 8000, C replaced by T.
Protein change: p.Thr2667Ile; replaces threonine 2667 with isoleucine.
Molecular consequence: missense variant.
Genome position (GRCh38, 1-based): chr19:37,885,671, G>A on the plus strand (C>T on the coding strand, the complement: WDR87 is on the minus strand). VCF-style: chr19-37885671-G-A. GRCh37 (hg19) VCF-style: chr19-38376311-G-A.
Other names: c.7883C>T, p.Thr2628Ile (NM_031951.5); short protein forms T2628I, T2667I.
Identifiers: ClinVar variation 4700492 (VCV004700492.1).